The following is an entry in ClinVar:

ClinVar aggregate classification (germline): Likely pathogenic. Review status: criteria provided, multiple submitters, no conflicts (2 of 4 stars). 2 submissions from 2 submitters: Likely pathogenic (2). Last evaluated 2024-10-04.

Conditions:
Meckel-Gruber syndrome. Also called: DYSENCEPHALIA SPLANCHNOCYSTICA; GRUBER SYNDROME; Dysencephalia splachnocystica. Identifiers: Orphanet 564, MedGen C0265215, MONDO:0018921.
Joubert syndrome. Also called: CEREBELLOPARENCHYMAL DISORDER IV; JOUBERT-BOLTSHAUSER SYNDROME; Familial aplasia of the vermis. Identifiers: Orphanet 475, MedGen C5979921, MONDO:0018772.
Joubert syndrome 7 (JBTS7). Identifiers: Orphanet 220497, MedGen C1969053, MONDO:0012694, OMIM 611560.

Allele frequency attached by ClinVar (database versions not stated): gnomAD exomes below 0.00001; ExAC 0.00001.
gnomAD v4.1: 5 of 1,595,458 alleles (0.00031%); highest among the groups gnomAD compares: Middle Eastern, 0.017%; no homozygotes.

Submissions (2):

Dubai Health Genomic Medicine Center, Dubai Health
Classification: Likely pathogenic for Joubert syndrome 7. Last evaluated: 2024-10-04. Review status: criteria provided, single submitter. Criteria: ACMG Guidelines, 2015. Collection method: research. Allele origin: germline. Affected: yes.
Comment: PVS1,PM2

Labcorp Genetics (formerly Invitae), Labcorp
Classification: Likely pathogenic for Joubert syndrome; Meckel-Gruber syndrome. Last evaluated: 2023-05-02. Review status: criteria provided, single submitter. Criteria: Invitae Variant Classification Sherloc (09022015). Collection method: clinical testing. Allele origin: germline.
Comment: ClinVar contains an entry for this variant (Variation ID: 1481429). Disruption of this splice site has been observed in individual(s) with clinical features of Joubert syndrome and related disorders (PMID: 27717089). This variant is present in population databases (rs750917538, gnomAD 0.003%). This sequence change affects an acceptor splice site in intron 13 of the RPGRIP1L gene. It is expected to disrupt RNA splicing. Variants that disrupt the donor or acceptor splice site typically lead to a loss of protein function (PMID: 16199547), and loss-of-function variants in RPGRIP1L are known to be pathogenic (PMID: 17558409). Algorithms developed to predict the effect of sequence changes on RNA splicing suggest that this variant may disrupt the consensus splice site. In summary, the currently available evidence indicates that the variant is pathogenic, but additional data are needed to prove that conclusively. Therefore, this variant has been classified as Likely Pathogenic.

Literature cited by the submitters: PubMed 27717089 (cited by Labcorp Genetics (formerly Invitae), Labcorp); PubMed 16199547 (cited by Labcorp Genetics (formerly Invitae), Labcorp); PubMed 17558409 (cited by Labcorp Genetics (formerly Invitae), Labcorp).

NM_015272.5(RPGRIP1L):c.1582-1G>C

Gene: RPGRIP1L (RPGRIP1 like; minus strand). Cytogenetic location: 16q12.2.
Variant type: single nucleotide variant.
Coding change: c.1582-1G>C on transcript NM_015272.5 (MANE Select); the canonical splice acceptor site of the intron before coding-DNA position 1582, G replaced by C.
Molecular consequence: splice acceptor variant.
Genome position (GRCh38, 1-based): chr16:53,656,590, C>G on the plus strand (G>C on the coding strand, the complement: RPGRIP1L is on the minus strand). VCF-style: chr16-53656590-C-G. GRCh37 (hg19) VCF-style: chr16-53690502-C-G.
Other names: c.1582-1G>C (NM_001127897.4, NM_001330538.2, NM_001308334.3).
Identifiers: ClinVar variation 1481429 (VCV001481429.7), dbSNP rs750917538, ClinGen allele CA8057758.